The following is an entry in ClinVar:

NM_001256071.3(RNF213):c.13510+5del

Genes: RNF213 (ring finger protein 213; plus strand), RNF213-AS1 (RNF213 antisense RNA 1; minus strand). Cytogenetic location: 17q25.3.
Variant type: Deletion.
Coding change: c.13510+5del on transcript NM_001256071.3 (MANE Select); 5 bases into the intron after coding-DNA position 13510, one base deleted (G; older notation c.13510+5delG).
Molecular consequence: intron variant.
Genome position (GRCh38, 1-based): chr17:80,376,968, G deleted. VCF-style (leftmost placement, unchanged base first): chr17-80376967-AG-A. GRCh37 (hg19) VCF-style: chr17-78350767-AG-A.
Other names: c.13657+5del (NM_020914.5, NM_001410195.1).
Identifiers: ClinVar variation 4532633 (VCV004532633.1).

ClinVar aggregate classification (germline): Uncertain significance (1 of 4 stars; one submission).

Submission:

GeneDx
Classification: Uncertain significance. Last evaluated: 2025-05-30. Review status: criteria provided, single submitter. Criteria: GeneDx Variant Classification Process June 2021. Collection method: clinical testing. Allele origin: germline. Affected: yes.
Comment: Not observed at significant frequency in large population cohorts (gnomAD); In silico analysis supports a deleterious effect on splicing; Has not been previously published as pathogenic or benign to our knowledge